The following is an entry in ClinVar:

ClinVar aggregate classification (germline): Conflicting classifications of pathogenicity. Review status: criteria provided, conflicting classifications (1 of 4 stars). 2 submissions from 2 submitters: Likely pathogenic (1); Uncertain significance (1). Last evaluated 2026-04-17.

Allele frequency attached by ClinVar (database versions not stated): gnomAD 0.00001; TOPMed below 0.00001.
gnomAD v4.1: 8 of 1,613,956 alleles (0.0005%); highest among the groups gnomAD compares: African/African-American, 0.0013%; no homozygotes.

Submissions (2):

Dasa
Classification: Uncertain significance. Last evaluated: 2026-04-17. Review status: criteria provided, single submitter. Criteria: DASA Assertion Criteria. Collection method: clinical testing. Allele origin: germline.
Comment: NM_015040.4(PIKFYVE):c.322+1G>A affects a canonical splice site and is predicted to disrupt normal RNA splicing. This variant is rare in population databases. The currently available literature and clinical evidence are not sufficient to establish a definitive association between this variant and the reported condition. Therefore, this variant is classified as a variant of uncertain significance.

Labcorp Genetics (formerly Invitae), Labcorp
Classification: Likely pathogenic. Last evaluated: 2019-11-27. Review status: criteria provided, single submitter. Criteria: Invitae Variant Classification Sherloc (09022015). Collection method: clinical testing. Allele origin: germline.
Comment: This sequence change affects a donor splice site in intron 3 of the PIKFYVE gene. It is expected to disrupt RNA splicing and likely results in an absent or disrupted protein product. This variant is not present in population databases (ExAC no frequency). This variant has not been reported in the literature in individuals with PIKFYVE-related conditions. Algorithms developed to predict the effect of sequence changes on RNA splicing suggest that this variant may disrupt the consensus splice site, but this prediction has not been confirmed by published transcriptional studies. Donor and acceptor splice site variants typically lead to a loss of protein function (PMID: 16199547), and loss-of-function variants in PIKFYVE are known to be pathogenic (PMID: 15902656, 23288988, 26396486). In summary, the currently available evidence indicates that the variant is pathogenic, but additional data are needed to prove that conclusively. Therefore, this variant has been classified as Likely Pathogenic.

Literature cited by the submitters: PubMed 23288988 (cited by Labcorp Genetics (formerly Invitae), Labcorp); PubMed 26396486 (cited by Labcorp Genetics (formerly Invitae), Labcorp); PubMed 15902656 (cited by Labcorp Genetics (formerly Invitae), Labcorp).

NM_015040.4(PIKFYVE):c.322+1G>A

Gene: PIKFYVE (phosphoinositide kinase, FYVE-type zinc finger containing; plus strand). Cytogenetic location: 2q34.
Variant type: single nucleotide variant.
Coding change: c.322+1G>A on transcript NM_015040.4 (MANE Select); the canonical splice donor site of the intron after coding-DNA position 322, G replaced by A.
Molecular consequence: splice donor variant.
Genome position (GRCh38, 1-based): chr2:208,273,734, G>A. VCF-style: chr2-208273734-G-A. GRCh37 (hg19) VCF-style: chr2-209138458-G-A.
Other names: c.322+1G>A (NM_001178000.2, NM_152671.4).
Identifiers: ClinVar variation 841625 (VCV000841625.3), dbSNP rs1189539018, ClinGen allele CA350097142.